The following is an entry in ClinVar:

ClinVar aggregate classification (germline): Pathogenic (0 of 4 stars; one submission).

Conditions:
Pyruvate dehydrogenase E1-alpha deficiency (PDHAD). Also called: ATAXIA, INTERMITTENT, WITH PYRUVATE DEHYDROGENASE DEFICIENCY; ATAXIA WITH LACTIC ACIDOSIS I; ATAXIA, INTERMITTENT, WITH ABNORMAL PYRUVATE METABOLISM; Ataxia, intermittent, with pyruvate dehydrogenase, or decarboxylase, deficiency. Identifiers: Orphanet 79243, MedGen C1839413, MONDO:0010717, OMIM 312170.

Submission:

PDHA1 Study Group, University Children’s Hospital, Paracelsus Medical University
Classification: Pathogenic for Pyruvate dehydrogenase E1-alpha deficiency. Last evaluated: 2024-10-15. Review status: no assertion criteria provided. Collection method: research. Allele origin: de novo. Affected: yes. Observed: 1 variant allele.
Comment: The NM_000284.3:c.947dup (p.Ile317TyrfsTer23) change is a frameshift variant in PDHA1 gene. This variant is predicted to result in nonsense-mediated decay (NMD). Among them, 1 case had confirmed de novo occurrence. Last literature search: July 12, 2024. This variant is absent or extremely rare in population-based cohorts in the Genome Aggregation Database (gnomAD). Individuals harboring this variant presented with clinical features compatible with PDHA1-related PDHc deficiency. In summary, this variant meets criteria to be classified as pathogenic (P) for PDHA1-related PDHc deficiency based on the ACMG/AMP criteria applied: PVS1, PS3, PM2 (last assessment October 15, 2024).

Literature cited by the submitters: DOI 10.1093/brain/awaf430.

NM_000284.4(PDHA1):c.947dup (p.Ile317fs)

Gene: PDHA1 (pyruvate dehydrogenase E1 subunit alpha 1; plus strand). Cytogenetic location: Xp22.12.
Variant type: Duplication.
Coding change: c.947dup on transcript NM_000284.4 (MANE Select); coding-DNA position 947, one base duplicated (C; older notation c.947dupC).
Protein change: p.Ile317fs; shifts the reading frame from isoleucine 317.
Molecular consequence: frameshift variant.
Genome position (GRCh38, 1-based): chrX:19,358,963, C duplicated; the last of 3 consecutive C bases (chrX:19,358,961-19,358,963); duplicating any one gives the same sequence. VCF-style (leftmost placement, unchanged base first): chrX-19358960-A-AC. GRCh37 (hg19) VCF-style: chrX-19377078-A-AC.
Other names: c.1061dup, p.Ile355fs (NM_001173454.2); c.968dup, p.Ile324fs (NM_001173455.2); c.854dup, p.Ile286fs (NM_001173456.2); short protein forms I286fs, I317fs, I324fs, I355fs.
Identifiers: ClinVar variation 4070409 (VCV004070409.1).